The following is an entry in ClinVar:

ClinVar aggregate classification (germline): Likely pathogenic (1 of 4 stars; one submission).

Conditions:
DEGCAGS syndrome. Also called: DEVELOPMENTAL DELAY WITH GASTROINTESTINAL, CARDIOVASCULAR, GENITOURINARY, AND SKELETAL ABNORMALITIES. Identifiers: MedGen C5561967, MONDO:0859181, OMIM 619488.

Submission:

Foundation for Research in Genetics and Endocrinology, FRIGE's Institute of Human Genetics
Classification: Likely pathogenic for DEGCAGS syndrome. Last evaluated: 2025-05-10. Review status: criteria provided, single submitter. Criteria: ACMG Guidelines, 2015. Collection method: clinical testing. Allele origin: germline. Inheritance: Autosomal recessive inheritance. Affected: yes. Observed: 1 compound heterozygote.
Comment: A heterozygous nonsense variant in exon 6 of the ZNF699 gene (chr19:g.9296578T>A) that results in a stop codon and premature truncation of the protein at codon 276 (p.Lys276Ter; ENST00000591998.6) was detected. The p. Lys276Ter variant has not been reported in the 1000 genomes, gnomAD (v3.1), gnomAD (v2.1), topmed databases. The in-silico prediction of the variant is benign by MutationTaster2. The reference codon is conserved across species. In summary, the variant meets our criteria to be classified as likely pathogenic.

NM_198535.3(ZNF699):c.826A>T (p.Lys276Ter)

Gene: ZNF699 (zinc finger protein 699; minus strand). Cytogenetic location: 19p13.2.
Variant type: single nucleotide variant.
Coding change: c.826A>T on transcript NM_198535.3 (MANE Select); coding-DNA position 826, A replaced by T.
Protein change: p.Lys276Ter; replaces lysine 276 with a stop codon.
Molecular consequence: nonsense.
Genome position (GRCh38, 1-based): chr19:9,296,578, T>A on the plus strand (A>T on the coding strand, the complement: ZNF699 is on the minus strand). VCF-style: chr19-9296578-T-A. GRCh37 (hg19) VCF-style: chr19-9407254-T-A.
Other names: p.Lys276Ter; short protein forms K276*.
Identifiers: ClinVar variation 3901836 (VCV003901836.1).